The following is an entry in ClinVar:

ClinVar aggregate classification (germline): Uncertain significance (1 of 4 stars; one submission).

gnomAD v4.1: 2 of 1,055,724 alleles (0.00019%); highest among the groups gnomAD compares: Non-Finnish European, 0.00023%; no homozygotes.

Submission:

Dasa
Classification: Uncertain significance. Last evaluated: 2024-12-18. Review status: criteria provided, single submitter. Criteria: DASA Assertion Criteria. Collection method: clinical testing. Allele origin: germline.
Comment: NM_001332.4(CTNND2):c.626G>A (p.Arg209His) is a missense variant that results in the substitution of arginine with histidine. This variant is rare in population databases. Computational prediction algorithms are consistent with a benign effect. The currently available literature and clinical evidence are not sufficient to establish a definitive association between this variant and the reported condition. Therefore, this variant is classified as a variant of uncertain significance.

NM_001332.4(CTNND2):c.626G>A (p.Arg209His)

Gene: CTNND2 (catenin delta 2; minus strand). Cytogenetic location: 5p15.2.
Variant type: single nucleotide variant.
Coding change: c.626G>A on transcript NM_001332.4 (MANE Select); coding-DNA position 626, G replaced by A.
Protein change: p.Arg209His; replaces arginine 209 with histidine.
Molecular consequence: missense variant. On other transcripts: intron variant (3).
Genome position (GRCh38, 1-based): chr5:11,385,216, C>T on the plus strand (G>A on the coding strand, the complement: CTNND2 is on the minus strand). VCF-style: chr5-11385216-C-T. GRCh37 (hg19) VCF-style: chr5-11385328-C-T.
Other names: c.353G>A, p.Arg118His (NM_001288715.1); c.-123+11815G>A (NM_001288717.2); c.167-20326G>A (NM_001364128.2, NM_001288716.1); short protein forms R118H, R209H.
Identifiers: ClinVar variation 4884920 (VCV004884920.2).
Genomic context (GRCh38, chr5:11,385,216, plus strand): 5'-GGCTCCCGCGGCGGCGGCGGCGGCGGCGGCGCGGGCTCGGGCCCCGCCAGGTGGCCGGCG[C>T]GGCTGGTCGTGCCCTGTGCCCGGGAGAGGAGAGAACACGCGCACTTAGCGAGGGAGAAGC-3'
Protein context (NP_001323.1, residues 199-219): GQSFSQGTTS[Arg209His]AGHLAGPEPA